The following is an entry in ClinVar:

NM_000368.5(TSC1):c.2644G>A (p.Ala882Thr)

Gene: TSC1 (TSC complex subunit 1; minus strand). Cytogenetic location: 9q34.13.
Variant type: single nucleotide variant.
Coding change: c.2644G>A on transcript NM_000368.5 (MANE Select); coding-DNA position 2644, G replaced by A.
Protein change: p.Ala882Thr; replaces alanine 882 with threonine.
Molecular consequence: missense variant.
Genome position (GRCh38, 1-based): chr9:132,897,592, C>T on the plus strand (G>A on the coding strand, the complement: TSC1 is on the minus strand). VCF-style: chr9-132897592-C-T. GRCh37 (hg19) VCF-style: chr9-135772979-C-T.
Other names: c.2641G>A, p.Ala881Thr (NM_001162426.2); c.2491G>A, p.Ala831Thr (NM_001162427.2); c.2281G>A, p.Ala761Thr (NM_001362177.2); short protein forms A761T, A882T, A831T, A881T.
Identifiers: ClinVar variation 950337 (VCV000950337.10), dbSNP rs1271658593, ClinGen allele CA375369652.

ClinVar aggregate classification (germline): Conflicting classifications of pathogenicity. Review status: criteria provided, conflicting classifications (1 of 4 stars). 2 submissions from 2 submitters: Uncertain significance (1); Likely benign (1). Last evaluated 2024-12-12.

Conditions:
Tuberous sclerosis 1 (TSC1). Identifiers: Orphanet 805, MedGen C1854465, MONDO:0008612, OMIM 191100.
Hereditary cancer-predisposing syndrome. Also called: Hereditary neoplastic syndrome; Tumor predisposition; Neoplastic Syndromes, Hereditary; Hereditary Cancer Syndrome. Identifiers: Orphanet 140162, MedGen C0027672, MeSH D009386, MONDO:0015356.

Submissions (2):

Labcorp Genetics (formerly Invitae), Labcorp
Classification: Uncertain significance for Tuberous sclerosis 1. Last evaluated: 2024-12-12. Review status: criteria provided, single submitter. Criteria: Invitae Variant Classification Sherloc (09022015). Collection method: clinical testing. Allele origin: germline.
Comment: This sequence change replaces alanine, which is neutral and non-polar, with threonine, which is neutral and polar, at codon 882 of the TSC1 protein (p.Ala882Thr). This variant is not present in population databases (gnomAD no frequency). This variant has not been reported in the literature in individuals affected with TSC1-related conditions. ClinVar contains an entry for this variant (Variation ID: 950337). Invitae Evidence Modeling of protein sequence and biophysical properties (such as structural, functional, and spatial information, amino acid conservation, physicochemical variation, residue mobility, and thermodynamic stability) indicates that this missense variant is not expected to disrupt TSC1 protein function with a negative predictive value of 95%. In summary, the available evidence is currently insufficient to determine the role of this variant in disease. Therefore, it has been classified as a Variant of Uncertain Significance.

Ambry Genetics
Classification: Likely benign for Hereditary cancer-predisposing syndrome. Last evaluated: 2024-05-02. Review status: criteria provided, single submitter. Criteria: Ambry Variant Classification Scheme 2023. Collection method: clinical testing. Allele origin: germline.